The following is an entry in ClinVar:

NM_005591.4(MRE11):c.1292A>T (p.Asp431Val)

Gene: MRE11 (MRE11 double strand break repair nuclease; minus strand). Cytogenetic location: 11q21.
Variant type: single nucleotide variant.
Coding change: c.1292A>T on transcript NM_005591.4 (MANE Select); coding-DNA position 1292, A replaced by T.
Protein change: p.Asp431Val; replaces aspartic acid 431 with valine.
Molecular consequence: missense variant.
Genome position (GRCh38, 1-based): chr11:94,460,970, T>A on the plus strand (A>T on the coding strand, the complement: MRE11 is on the minus strand). VCF-style: chr11-94460970-T-A. GRCh37 (hg19) VCF-style: chr11-94194136-T-A.
Other names: c.1292A>T, p.Asp431Val (NM_001330347.2, NM_005590.4); short protein forms D431V.
Identifiers: ClinVar variation 1799979 (VCV001799979.3), dbSNP rs2496399579, ClinGen allele CA382372343.

ClinVar aggregate classification (germline): Uncertain significance. Review status: criteria provided, multiple submitters, no conflicts (2 of 4 stars). 2 submissions from 2 submitters: Uncertain significance (2). Last evaluated 2025-03-18.

Conditions:
Ataxia-telangiectasia-like disorder (ATLD). Identifiers: MedGen C1858391, MONDO:0011457.
Hereditary cancer-predisposing syndrome. Also called: Neoplastic Syndromes, Hereditary; Tumor predisposition; Hereditary Cancer Syndrome; Hereditary neoplastic syndrome. Identifiers: Orphanet 140162, MedGen C0027672, MeSH D009386, MONDO:0015356.

Submissions (2):

Labcorp Genetics (formerly Invitae), Labcorp
Classification: Uncertain significance for Ataxia-telangiectasia-like disorder. Last evaluated: 2025-03-18. Review status: criteria provided, single submitter. Criteria: Invitae Variant Classification Sherloc (09022015). Collection method: clinical testing. Allele origin: germline.
Comment: This sequence change replaces aspartic acid, which is acidic and polar, with valine, which is neutral and non-polar, at codon 431 of the MRE11 protein (p.Asp431Val). This variant is not present in population databases (gnomAD no frequency). This variant has not been reported in the literature in individuals affected with MRE11-related conditions. ClinVar contains an entry for this variant (Variation ID: 1799979). An algorithm developed to predict the effect of missense changes on protein structure and function (PolyPhen-2) suggests that this variant is likely to be disruptive. In summary, the available evidence is currently insufficient to determine the role of this variant in disease. Therefore, it has been classified as a Variant of Uncertain Significance.

Ambry Genetics
Classification: Uncertain significance for Hereditary cancer-predisposing syndrome. Last evaluated: 2022-09-11. Review status: criteria provided, single submitter. Criteria: Ambry Variant Classification Scheme 2023. Collection method: clinical testing. Allele origin: germline.
Comment: The p.D431V variant (also known as c.1292A>T), located in coding exon 11 of the MRE11A gene, results from an A to T substitution at nucleotide position 1292. The aspartic acid at codon 431 is replaced by valine, an amino acid with highly dissimilar properties. This amino acid position is conserved. In addition, this alteration is predicted to be deleterious by in silico analysis. Since supporting evidence is limited at this time, the clinical significance of this alteration remains unclear.